The following is an entry in ClinVar:

ClinVar aggregate classification (germline): Benign. Review status: reviewed by expert panel (3 of 4 stars). 10 submissions from 8 submitters: Benign (1). 9 of the submissions do not count toward it. Last evaluated 2024-11-05.

Conditions:
von Willebrand disease type 2 (VWD2). Also called: VWD, TYPE 2; VON WILLEBRAND DISEASE, TYPE 2A/IIE; VON WILLEBRAND DISEASE, TYPE 2CB; VON WILLEBRAND DISEASE, TYPE II. Identifiers: Orphanet 166081, Orphanet 903, MedGen C1264040, MONDO:0013304, OMIM 613554.
von Willebrand disease type 1 (VWD1). Also called: VWD, TYPE 1; VON WILLEBRAND DISEASE, TYPE I. Identifiers: Orphanet 166078, Orphanet 903, MedGen C1264039, MONDO:0008668, OMIM 193400. Inheritance: autosomal recessive or autosomal dominant.
Hereditary von Willebrand disease. Identifiers: Orphanet 903, MedGen C5703318, MONDO:0019565. Inheritance: Autosomal recessive or Autosomal dominant.
von Willebrand disease type 3 (VWD3). Also called: Type 3 Von Willebrand's disease; Type 3 VWD; Von Willebrand disease, severe form; V WD3; VON WILLEBRAND DISEASE, TYPE III. Identifiers: Orphanet 166096, MedGen C1264041, MONDO:0010191, OMIM 277480.

Allele frequency attached by ClinVar (database versions not stated): gnomAD exomes 0.10655 and 0.15282; ExAC 0.14290; 1000 Genomes Project 30x 0.16771; 1000 Genomes Project 0.17592; ESP Exome Variant Server 0.05913; gnomAD 0.08554 and 0.09502; TOPMed 0.10794.
gnomAD v4.1: 170,370 of 1,612,132 alleles (11%); highest among the groups gnomAD compares: East Asian, 39%; 14,250 homozygotes.

Submissions (10):

ClinGen von Willebrand Disease Variant Curation Expert Panel, ClinGen
Classification: Benign for Hereditary von Willebrand disease. Last evaluated: 2024-11-05. Review status: reviewed by expert panel. Criteria: ClinGen VWD 2A B M Rules. Collection method: curation. Allele origin: germline.
Comment: NM_000552.5(VWF):c.4665A>C, p.Ala1555= variant in VWF is a synonymous variant. TheGrpmax filtering allele frequency in gnomAD v4.1 is 0.3892 (based on 17634/44750 alleles, with 3489 homozygotes in the East Asian population), which is above the ClinGen VWD VCEP threshold of >0.1 for BA1. The computational predictor SpliceAI gives a score of 0.0, which meets criteria for BP7. This variant is classified as benign for VWD based on the ACMG/AMP criteria applied, as specified by the ClinGen VWD VCEP: BA1, BP7

Women's Health and Genetics/Laboratory Corporation of America, LabCorp
Classification: Benign. Last evaluated: 2026-05-12. Review status: criteria provided, single submitter. Criteria: LabCorp Variant Classification Summary - May 2015. Collection method: clinical testing. Allele origin: germline. Not counted in ClinVar's aggregate classification.

ARUP Laboratories, Molecular Genetics and Genomics, ARUP Laboratories
Classification: Benign. Last evaluated: 2025-07-24. Review status: criteria provided, single submitter. Criteria: ARUP Molecular Germline Variant Investigation Process 2024. Collection method: clinical testing. Allele origin: germline. Not counted in ClinVar's aggregate classification.

Quest Diagnostics Nichols Institute San Juan Capistrano
Classification: Benign. Last evaluated: 2023-02-17. Review status: criteria provided, single submitter. Criteria: Quest Diagnostics criteria. Collection method: clinical testing. Allele origin: unknown. Not counted in ClinVar's aggregate classification.

Mayo Clinic Laboratories, Mayo Clinic
Classification: Benign. Last evaluated: 2022-09-06. Review status: criteria provided, single submitter. Criteria: ACMG Guidelines, 2015. Collection method: clinical testing. Allele origin: germline. Observed: 172 variant alleles. Not counted in ClinVar's aggregate classification.

Genome-Nilou Lab
Classification: Benign for von Willebrand disease type 1. Last evaluated: 2021-12-05. Review status: criteria provided, single submitter. Criteria: ACMG Guidelines, 2015. Collection method: clinical testing. Allele origin: germline. Affected: no. Not counted in ClinVar's aggregate classification.

Genome-Nilou Lab
Classification: Benign for von Willebrand disease type 3. Last evaluated: 2021-12-05. Review status: criteria provided, single submitter. Criteria: ACMG Guidelines, 2015. Collection method: clinical testing. Allele origin: germline. Affected: no. Not counted in ClinVar's aggregate classification.

Genome-Nilou Lab
Classification: Benign for von Willebrand disease type 2. Last evaluated: 2021-12-05. Review status: criteria provided, single submitter. Criteria: ACMG Guidelines, 2015. Collection method: clinical testing. Allele origin: germline. Affected: no. Not counted in ClinVar's aggregate classification.

Breakthrough Genomics
Classification: Likely benign. Review status: criteria provided, single submitter. Criteria: ACMG Guidelines, 2015. Collection method: not provided. Allele origin: germline. Inheritance: Autosomal recessive inheritance. Affected: yes. Not counted in ClinVar's aggregate classification.

PreventionGenetics, part of Exact Sciences
Classification: Benign. Review status: criteria provided, single submitter. Criteria: ACMG Guidelines, 2015. Collection method: clinical testing. Allele origin: germline. Not counted in ClinVar's aggregate classification.

NM_000552.5(VWF):c.4665A>C (p.Ala1555=)

Gene: VWF (von Willebrand factor; minus strand). Cytogenetic location: 12p13.31.
Variant type: single nucleotide variant.
Coding change: c.4665A>C on transcript NM_000552.5 (MANE Select); coding-DNA position 4665, A replaced by C.
Protein change: p.Ala1555=; no amino-acid change (alanine 1555 retained).
Molecular consequence: synonymous variant.
Genome position (GRCh38, 1-based): chr12:6,018,753, T>G on the plus strand (A>C on the coding strand, the complement: VWF is on the minus strand). VCF-style: chr12-6018753-T-G. GRCh37 (hg19) VCF-style: chr12-6127919-T-G.
Other names: NM_000552.5(VWF):c.4665A>C; p.Ala1555=; c.4665A>C (NM_000552.4).
Identifiers: ClinVar variation 256681 (VCV000256681.20), dbSNP rs1800384, ClinGen allele CA6402481.